The following is an entry in ClinVar:

NM_004369.4(COL6A3):c.7668+21G>C

Gene: COL6A3 (collagen type VI alpha 3 chain; minus strand). Cytogenetic location: 2q37.3.
Variant type: single nucleotide variant.
Coding change: c.7668+21G>C on transcript NM_004369.4 (MANE Select); 21 bases into the intron after coding-DNA position 7668, G replaced by C.
Molecular consequence: intron variant.
Genome position (GRCh38, 1-based): chr2:237,344,329, C>G on the plus strand (G>C on the coding strand, the complement: COL6A3 is on the minus strand). VCF-style: chr2-237344329-C-G. GRCh37 (hg19) VCF-style: chr2-238252972-C-G.
Other names: c.5847+21G>C (NM_057166.5); c.7050+21G>C (NM_057167.4).
Identifiers: ClinVar variation 94992 (VCV000094992.7), dbSNP rs11897148, ClinGen allele CA148042.

ClinVar aggregate classification (germline): Benign/Likely benign. Review status: criteria provided, multiple submitters, no conflicts (2 of 4 stars). 4 submissions from 4 submitters: Benign (2); Likely benign (2). Last evaluated 2018-06-16.

Allele frequency attached by ClinVar (database versions not stated): gnomAD exomes 0.00204 and 0.00500; ExAC 0.00603; gnomAD 0.01713 and 0.01818; ESP Exome Variant Server 0.01815; TOPMed 0.01910; 1000 Genomes Project 0.02037; 1000 Genomes Project 30x 0.02280.
gnomAD v4.1: 5,788 of 1,614,150 alleles (0.36%); highest among the groups gnomAD compares: African/African-American, 5.8%; 165 homozygotes.

Submissions (4):

GeneDx
Classification: Benign. Last evaluated: 2018-06-16. Review status: criteria provided, single submitter. Criteria: GeneDx Variant Classification (06012015). Collection method: clinical testing. Allele origin: germline. Affected: yes.
Comment: This variant is considered likely benign or benign based on one or more of the following criteria: it is a conservative change, it occurs at a poorly conserved position in the protein, it is predicted to be benign by multiple in silico algorithms, and/or has population frequency not consistent with disease.

Eurofins Ntd Llc (ga)
Classification: Benign. Last evaluated: 2012-11-02. Review status: criteria provided, single submitter. Criteria: EGL Classification Definitions 2015. Collection method: clinical testing. Allele origin: germline. Observed: 2 variant alleles, 2 heterozygotes.

Breakthrough Genomics
Classification: Likely benign. Review status: criteria provided, single submitter. Criteria: ACMG Guidelines, 2015. Collection method: not provided. Allele origin: germline. Inheritance: Autosomal recessive inheritance. Affected: yes.

PreventionGenetics, part of Exact Sciences
Classification: Likely benign. Review status: criteria provided, single submitter. Criteria: ACMG Guidelines, 2015. Collection method: clinical testing. Allele origin: germline.